The following is an entry in ClinVar:

NM_002474.3(MYH11):c.3531G>A (p.Thr1177=)

Gene: MYH11 (myosin heavy chain 11; minus strand). Cytogenetic location: 16p13.11.
Variant type: single nucleotide variant.
Coding change: c.3531G>A on transcript NM_002474.3 (MANE Select); coding-DNA position 3531, G replaced by A.
Protein change: p.Thr1177=; no amino-acid change (threonine 1177 retained).
Molecular consequence: synonymous variant.
Genome position (GRCh38, 1-based): chr16:15,732,684, C>T on the plus strand (G>A on the coding strand, the complement: MYH11 is on the minus strand). VCF-style: chr16-15732684-C-T. GRCh37 (hg19) VCF-style: chr16-15826541-C-T.
Other names: c.3552G>A, p.Thr1184= (NM_001040113.2, NM_001040114.2); c.3531G>A, p.Thr1177= (NM_022844.3).
Identifiers: ClinVar variation 378204 (VCV000378204.63), dbSNP rs149980738, ClinGen allele CA7921963.

ClinVar aggregate classification (germline): Benign/Likely benign. Review status: criteria provided, multiple submitters, no conflicts (2 of 4 stars). 13 submissions from 13 submitters: Benign (5); Likely benign (5). 3 of the submissions do not count toward it. Last evaluated 2026-06-01.

Conditions:
MYH11-related disorder. Also called: MYH11-related condition.
Familial thoracic aortic aneurysm and aortic dissection (TAAD). Also called: Thoracic aortic aneurysms and dissections. Identifiers: Orphanet 91387, MedGen C4707243, MONDO:0019625.
Aortic aneurysm, familial thoracic 4 (AAT4). Also called: AORTIC ANEURYSM/AORTIC DISSECTION AND PATENT DUCTUS ARTERIOSUS. Identifiers: MedGen C1851504, MONDO:0007568, OMIM 132900.

Allele frequency attached by ClinVar (database versions not stated): gnomAD 0.00029 and 0.00017; gnomAD exomes 0.00066; ExAC 0.00068; 1000 Genomes Project 30x 0.00125; 1000 Genomes Project 0.00140; ESP Exome Variant Server 0.00015; TOPMed 0.00020.

Submissions (13):

CeGaT Center for Human Genetics Tuebingen
Classification: Likely benign. Last evaluated: 2026-06-01. Review status: criteria provided, single submitter. Criteria: CeGaT Center For Human Genetics Tuebingen Variant Classification Criteria Version 2. Collection method: clinical testing. Allele origin: germline. Affected: yes. Observed: 10 variant alleles.
Comment: MYH11: BP4, BP7

Labcorp Genetics (formerly Invitae), Labcorp
Classification: Benign for Aortic aneurysm, familial thoracic 4. Last evaluated: 2026-01-14. Review status: criteria provided, single submitter. Criteria: Invitae Variant Classification Sherloc (09022015). Collection method: clinical testing. Allele origin: germline.

Blueprint Genetics
Classification: Likely benign. Last evaluated: 2024-11-25. Review status: criteria provided, single submitter. Criteria: ACMG Guidelines, 2015. Collection method: clinical testing. Allele origin: germline.

All of Us Research Program, National Institutes of Health
Classification: Benign for Familial thoracic aortic aneurysm and aortic dissection. Last evaluated: 2024-01-11. Review status: criteria provided, single submitter. Criteria: ACMG Guidelines, 2015. Collection method: clinical testing. Allele origin: germline. Inheritance: Autosomal dominant inheritance. Observed: 49 variant alleles, 49 heterozygotes.
Comment: This study involves interpretation of variants in research participants for the purpose of population health screening. Participant phenotype was not available at the time of variant classification. Additional details can be found in publication PMID: 35346344, PMCID: PMC8962531

Women's Health and Genetics/Laboratory Corporation of America, LabCorp
Classification: Benign. Last evaluated: 2021-04-03. Review status: criteria provided, single submitter. Criteria: LabCorp Variant Classification Summary - May 2015. Collection method: clinical testing. Allele origin: germline.

Color Diagnostics, LLC DBA Color Health
Classification: Benign for Familial thoracic aortic aneurysm and aortic dissection. Last evaluated: 2018-07-22. Review status: criteria provided, single submitter. Criteria: ACMG Guidelines, 2015. Collection method: clinical testing. Allele origin: germline.

Illumina Laboratory Services, Illumina
Classification: Likely benign for Aortic aneurysm, familial thoracic 4. Last evaluated: 2018-01-13. Review status: criteria provided, single submitter. Criteria: ICSL Variant Classification Criteria 13 December 2019. Collection method: clinical testing. Allele origin: germline.
Comment: This variant was observed in the ICSL laboratory as part of a predisposition screen in an ostensibly healthy population. It had not been previously curated by ICSL or reported in the Human Gene Mutation Database (HGMD: prior to June 1st, 2018), and was therefore a candidate for classification through an automated scoring system. Utilizing variant allele frequency, disease prevalence and penetrance estimates, and inheritance mode, an automated score was calculated to assess if this variant is too frequent to cause the disease. Based on the score and internal cut-off values, a variant classified as likely benign is not then subjected to further curation. The score for this variant resulted in a classification of likely benign for this disease.

Ambry Genetics
Classification: Likely benign for Familial thoracic aortic aneurysm and aortic dissection. Last evaluated: 2017-10-11. Review status: criteria provided, single submitter. Criteria: Ambry Variant Classification Scheme 2023. Collection method: clinical testing. Allele origin: germline.

GeneDx
Classification: Benign. Last evaluated: 2016-09-02. Review status: criteria provided, single submitter. Criteria: GeneDx Variant Classification (06012015). Collection method: clinical testing. Allele origin: germline. Affected: yes.
Comment: This variant is considered likely benign or benign based on one or more of the following criteria: it is a conservative change, it occurs at a poorly conserved position in the protein, it is predicted to be benign by multiple in silico algorithms, and/or has population frequency not consistent with disease.

CHEO Genetics Diagnostic Laboratory, Children's Hospital of Eastern Ontario
Classification: Likely benign for Familial thoracic aortic aneurysm and aortic dissection. Last evaluated: 2016-05-02. Review status: criteria provided, single submitter. Criteria: ACMG Guidelines, 2015. Collection method: clinical testing. Allele origin: germline. Study: Canadian Open Genetics Repository.

PreventionGenetics, part of Exact Sciences
Classification: Likely benign for MYH11-related condition. Last evaluated: 2019-04-04. Review status: no assertion criteria provided. Collection method: clinical testing. Allele origin: germline. Not counted in ClinVar's aggregate classification.
Comment: This variant is classified as likely benign based on ACMG/AMP sequence variant interpretation guidelines (Richards et al. 2015 PMID: 25741868, with internal and published modifications).

Clinical Genetics DNA and cytogenetics Diagnostics Lab, Erasmus MC, Erasmus Medical Center
Classification: Likely benign. Review status: no assertion criteria provided. Collection method: clinical testing. Allele origin: germline. Affected: yes. Study: VKGL Data-share Consensus. Not counted in ClinVar's aggregate classification.

Genome Diagnostics Laboratory, University Medical Center Utrecht
Classification: Likely benign. Review status: no assertion criteria provided. Collection method: clinical testing. Allele origin: germline. Affected: yes. Study: VKGL Data-share Consensus. Not counted in ClinVar's aggregate classification.